The following is an entry in ClinVar:

NM_000135.4(FANCA):c.2778+3A>G

Gene: FANCA (FA complementation group A; minus strand). Cytogenetic location: 16q24.3.
Variant type: single nucleotide variant.
Coding change: c.2778+3A>G on transcript NM_000135.4 (MANE Select); 3 bases into the intron after coding-DNA position 2778, A replaced by G.
Molecular consequence: intron variant.
Genome position (GRCh38, 1-based): chr16:89,764,887, T>C on the plus strand (A>G on the coding strand, the complement: FANCA is on the minus strand). VCF-style: chr16-89764887-T-C. GRCh37 (hg19) VCF-style: chr16-89831295-T-C.
Other names: c.2778+3A>G (NM_001286167.3).
Identifiers: ClinVar variation 1499733 (VCV001499733.6), dbSNP rs757261567, ClinGen allele CA2573152880.
Genomic context (GRCh38, chr16:89,764,887, plus strand): 5'-GGAGCACACACAAACCCTAGACTCAGGACGTGGCATGATGCAGGAGAAGGAACGGTCACC[T>C]ACGTGAACATCTTCCTCTTTCAACACCTCTCGGAAGGTTCTGTGTGTCCAGAGAGAGAGG-3'

ClinVar aggregate classification (germline): Uncertain significance (1 of 4 stars; one submission).

Conditions:
Fanconi anemia (FA). Also called: Fanconi's anemia. Identifiers: Orphanet 84, MedGen C0015625, MeSH D005199, MONDO:0019391.

gnomAD v4.1: 1 of 1,613,868 alleles (0.000062%); highest among the groups gnomAD compares: Non-Finnish European, 0.000085%; no homozygotes.

Submission:

Labcorp Genetics (formerly Invitae), Labcorp
Classification: Uncertain significance for Fanconi anemia. Last evaluated: 2021-06-18. Review status: criteria provided, single submitter. Criteria: Invitae Variant Classification Sherloc (09022015). Collection method: clinical testing. Allele origin: germline.
Comment: Nucleotide substitutions within the consensus splice site are a relatively common cause of aberrant splicing (PMID: 17576681, 9536098). Algorithms developed to predict the effect of sequence changes on RNA splicing suggest that this variant may disrupt the consensus splice site, but this prediction has not been confirmed by published transcriptional studies. In summary, the available evidence is currently insufficient to determine the role of this variant in disease. Therefore, it has been classified as a Variant of Uncertain Significance. This variant has not been reported in the literature in individuals with FANCA-related conditions. This variant is not present in population databases (ExAC no frequency). This sequence change falls in intron 28 of the FANCA gene. It does not directly change the encoded amino acid sequence of the FANCA protein. It affects a nucleotide within the consensus splice site of the intron.

Literature cited by the submitters: PubMed 17576681; PubMed 9536098.